The following is an entry in ClinVar:

ClinVar aggregate classification (germline): Uncertain significance (1 of 4 stars; one submission).

Submission:

Labcorp Genetics (formerly Invitae), Labcorp
Classification: Uncertain significance. Last evaluated: 2025-01-17. Review status: criteria provided, single submitter. Criteria: Invitae Variant Classification Sherloc (09022015). Collection method: clinical testing. Allele origin: germline.
Comment: This sequence change replaces proline, which is neutral and non-polar, with serine, which is neutral and polar, at codon 72 of the HPS4 protein (p.Pro72Ser). This variant is present in population databases (rs374775503, gnomAD 0.0009%). This variant has not been reported in the literature in individuals affected with HPS4-related conditions. An algorithm developed to predict the effect of missense changes on protein structure and function (PolyPhen-2) suggests that this variant is likely to be disruptive. In summary, the available evidence is currently insufficient to determine the role of this variant in disease. Therefore, it has been classified as a Variant of Uncertain Significance.

NM_022081.6(HPS4):c.214C>T (p.Pro72Ser)

Gene: HPS4 (HPS4 biogenesis of lysosomal organelles complex 3 subunit 2; minus strand). Cytogenetic location: 22q12.1.
Variant type: single nucleotide variant.
Coding change: c.214C>T on transcript NM_022081.6 (MANE Select); coding-DNA position 214, C replaced by T.
Protein change: p.Pro72Ser; replaces proline 72 with serine.
Molecular consequence: missense variant. On other transcripts: non-coding transcript variant (8).
Genome position (GRCh38, 1-based): chr22:26,477,055, G>A on the plus strand (C>T on the coding strand, the complement: HPS4 is on the minus strand). VCF-style: chr22-26477055-G-A. GRCh37 (hg19) VCF-style: chr22-26873021-G-A.
Other names: c.214C>T, p.Pro72Ser (NM_001349896.1, NM_001349898.2, NM_001349899.2 and 7 more transcripts); c.199C>T, p.Pro67Ser (NM_152841.2); short protein forms P72S, P67S.
Identifiers: ClinVar variation 3698512 (VCV003698512.1).